The following is an entry in ClinVar:

NM_001349253.2(SCN11A):c.1172T>C (p.Leu391Pro)

Gene: SCN11A (sodium voltage-gated channel alpha subunit 11; minus strand). Cytogenetic location: 3p22.2.
Variant type: single nucleotide variant.
Coding change: c.1172T>C on transcript NM_001349253.2 (MANE Select); coding-DNA position 1172, T replaced by C.
Protein change: p.Leu391Pro; replaces leucine 391 with proline.
Molecular consequence: missense variant.
Genome position (GRCh38, 1-based): chr3:38,909,124, A>G on the plus strand (T>C on the coding strand, the complement: SCN11A is on the minus strand). VCF-style: chr3-38909124-A-G. GRCh37 (hg19) VCF-style: chr3-38950615-A-G.
Other names: c.1172T>C, p.Leu391Pro (NM_014139.3); short protein forms L391P.
Identifiers: ClinVar variation 4833439 (VCV004833439.1).

ClinVar aggregate classification (germline): Uncertain significance (1 of 4 stars; one submission).

Conditions:
Inborn genetic diseases. Identifiers: MedGen C0950123, MeSH D030342.

Submission:

Ambry Genetics
Classification: Uncertain significance for Inborn genetic diseases. Last evaluated: 2026-01-09. Review status: criteria provided, single submitter. Criteria: Ambry Variant Classification Scheme 2023. Collection method: clinical testing. Allele origin: germline.
Comment: The c.1172T>C (p.L391P) alteration is located in exon 9 (coding exon 9) of the SCN11A gene. This alteration results from a T to C substitution at nucleotide position 1172, causing the leucine (L) at amino acid position 391 to be replaced by a proline (P). This variant was not reported in population-based cohorts in the Genome Aggregation Database (gnomAD). This amino acid position is highly conserved in available vertebrate species. This alteration is predicted to be deleterious by in silico analysis. Based on insufficient or conflicting evidence, the clinical significance of this alteration remains unclear.